The following is an entry in ClinVar:

NM_000264.5(PTCH1):c.1677del (p.Phe560fs)

Gene: PTCH1 (patched 1; minus strand). Cytogenetic location: 9q22.32.
Variant type: Deletion.
Coding change: c.1677del on transcript NM_000264.5 (MANE Select); coding-DNA position 1677, one base deleted (C; older notation c.1677delC).
Protein change: p.Phe560fs; shifts the reading frame from phenylalanine 560.
Molecular consequence: frameshift variant. On other transcripts: non-coding transcript variant (1).
Genome position (GRCh38, 1-based): chr9:95,476,085, G deleted on the plus strand (C on the coding strand, the reverse complement: PTCH1 is on the minus strand). VCF-style (leftmost placement, unchanged base first): chr9-95476084-AG-A. GRCh37 (hg19) VCF-style: chr9-98238366-AG-A.
Other names: c.1479del, p.Phe494fs (NM_001083602.3); c.1674del, p.Phe559fs (NM_001083603.3); c.1224del, p.Phe409fs (NM_001083604.3, NM_001083605.3, NM_001083606.3 and 1 more transcripts); c.1521del, p.Phe508fs (NM_001354918.2); short protein forms F409fs, F494fs, F508fs, F559fs, F560fs.
Identifiers: ClinVar variation 3346773 (VCV003346773.1).

ClinVar aggregate classification (germline): Likely pathogenic (0 of 4 stars; one submission).

Conditions:
PTCH1-related disorder. Also called: PTCH1-related disorders; PTCH1-related condition.

Submission:

PreventionGenetics, part of Exact Sciences
Classification: Likely pathogenic for PTCH1-related condition. Last evaluated: 2024-08-08. Review status: no assertion criteria provided. Collection method: clinical testing. Allele origin: germline.
Comment: The PTCH1 c.1677delC variant is predicted to result in a frameshift and premature protein termination (p.Phe560Serfs*5). To our knowledge, this variant has not been reported in the literature or in a large population database, indicating this variant is rare. Frameshift variants in PTCH1 are expected to be pathogenic. This variant is interpreted as likely pathogenic.